The following is an entry in ClinVar:

ClinVar aggregate classification (germline): Pathogenic/Likely pathogenic. Review status: criteria provided, multiple submitters, no conflicts (2 of 4 stars). 3 submissions from 3 submitters: Pathogenic (2); Likely pathogenic (1). Last evaluated 2025-10-21.

Conditions:
KIZ-related disorder. Also called: KIZ-related condition.

Allele frequency attached by ClinVar (database versions not stated): gnomAD 0.00001; gnomAD exomes 0.00001; TOPMed 0.00001.

Submissions (3):

Labcorp Genetics (formerly Invitae), Labcorp
Classification: Pathogenic. Last evaluated: 2025-10-21. Review status: criteria provided, single submitter. Criteria: Invitae Variant Classification Sherloc (09022015). Collection method: clinical testing. Allele origin: germline.
Comment: This sequence change affects the initiator codon of the KIZ mRNA. This change may impact translation initiation or efficiency. The next in-frame methionine is located at codon 115. This variant is present in population databases (no rsID available, gnomAD 0.005%). Disruption of the initiator codon has been observed in individual(s) with retinitis pigmentosa (PMID: 29057815, 37798099, 38927740; internal data). In at least one individual the data is consistent with being in trans (on the opposite chromosome) from a pathogenic variant. ClinVar contains an entry for this variant (Variation ID: 1399389). For these reasons, this variant has been classified as Pathogenic.

GeneDx
Classification: Likely pathogenic. Last evaluated: 2023-10-10. Review status: criteria provided, single submitter. Criteria: GeneDx Variant Classification Process June 2021. Collection method: clinical testing. Allele origin: germline. Affected: yes.
Comment: Initiation codon variant in a gene for which loss of function is a known mechanism of disease; Not observed at significant frequency in large population cohorts (gnomAD); This variant is associated with the following publications: (PMID: 29057815)

Blueprint Genetics
Classification: Pathogenic for KIZ-related disorders. Last evaluated: 2022-08-08. Review status: criteria provided, single submitter. Criteria: ACMG Guidelines, 2015. Collection method: clinical testing. Allele origin: germline. Affected: yes. Observed: 5 variant alleles.

Literature cited by the submitters: PubMed 29057815 (cited by Labcorp Genetics (formerly Invitae), Labcorp); PubMed 37798099 (cited by Labcorp Genetics (formerly Invitae), Labcorp); PubMed 38927740 (cited by Labcorp Genetics (formerly Invitae), Labcorp).

NM_018474.6(KIZ):c.3G>A (p.Met1Ile)

Genes: KIZ (kizuna centrosomal protein; plus strand), LOC130065507 (ATAC-STARR-seq lymphoblastoid silent region 12713; plus strand). Cytogenetic location: 20p11.23.
Variant type: single nucleotide variant.
Coding change: c.3G>A on transcript NM_018474.6 (MANE Select); coding-DNA position 3, G replaced by A.
Protein change: p.Met1Ile; changes the start codon (methionine 1).
Molecular consequence: missense variant, initiator codon variant. On other transcripts: 5 prime UTR variant (4).
Genome position (GRCh38, 1-based): chr20:21,126,118, G>A. VCF-style: chr20-21126118-G-A. GRCh37 (hg19) VCF-style: chr20-21106759-G-A.
Other names: c.3G>A (NM_018474.4); c.-144G>A (NM_001163022.3, NM_001163023.3, NM_001352435.2); c.82G>A, p.Glu28Lys (NM_001276389.2); c.3G>A, p.Met1Ile (NM_001352434.2); c.-384G>A (NM_001352436.2); short protein forms E28K, M1I.
Identifiers: ClinVar variation 1399389 (VCV001399389.8), dbSNP rs1438134533, ClinGen allele CA408488039.
Genomic context (GRCh38, chr20:21,126,118, plus strand): 5'-GCAACCCCGGCCGAACGGCCACCCAGAGGCTGTGCTGAGCTGGCGCAGCGGCAGCAGCAT[G>A]AGCCGGACCCTCGCATCGGCCGTGCCCCTGTCGAGTCCCGACTACTACGAGAGGCTGGGC-3'
Protein context (NP_060944.3, residues 1-11): [Met1Ile]SRTLASAVPL